The following is an entry in ClinVar:

NM_000465.4(BARD1):c.535T>C (p.Ser179Pro)

Gene: BARD1 (BRCA1 associated RING domain 1; minus strand). Cytogenetic location: 2q35.
Variant type: single nucleotide variant.
Coding change: c.535T>C on transcript NM_000465.4 (MANE Select); coding-DNA position 535, T replaced by C.
Protein change: p.Ser179Pro; replaces serine 179 with proline.
Molecular consequence: missense variant. On other transcripts: non-coding transcript variant (2), intron variant (3).
Genome position (GRCh38, 1-based): chr2:214,781,339, A>G on the plus strand (T>C on the coding strand, the complement: BARD1 is on the minus strand). VCF-style: chr2-214781339-A-G. GRCh37 (hg19) VCF-style: chr2-215646063-A-G.
Other names: c.478T>C, p.Ser160Pro (NM_001282543.2); c.158+28073T>C (NM_001282548.2); c.215+15722T>C (NM_001282545.2); c.364+10958T>C (NM_001282549.2); short protein forms S160P, S179P.
Identifiers: ClinVar variation 1747069 (VCV001747069.4), dbSNP rs1553622635, ClinGen allele CA350457439.

ClinVar aggregate classification (germline): Uncertain significance. Review status: criteria provided, multiple submitters, no conflicts (2 of 4 stars). 2 submissions from 2 submitters: Uncertain significance (2). Last evaluated 2024-03-16.

Conditions:
Hereditary cancer-predisposing syndrome. Also called: Hereditary Cancer Syndrome; Neoplastic Syndromes, Hereditary; Tumor predisposition; Hereditary neoplastic syndrome. Identifiers: Orphanet 140162, MedGen C0027672, MeSH D009386, MONDO:0015356.
Familial cancer of breast. Also called: BREAST CANCER, FAMILIAL; Hereditary breast cancer; hereditary breast carcinoma. Identifiers: Orphanet 227535, MedGen C0346153, MONDO:0016419, OMIM 114480. Disease mechanism: loss of function.

Submissions (2):

Labcorp Genetics (formerly Invitae), Labcorp
Classification: Uncertain significance for Familial cancer of breast. Last evaluated: 2024-03-16. Review status: criteria provided, single submitter. Criteria: Invitae Variant Classification Sherloc (09022015). Collection method: clinical testing. Allele origin: germline.
Comment: This sequence change replaces serine, which is neutral and polar, with proline, which is neutral and non-polar, at codon 179 of the BARD1 protein (p.Ser179Pro). This variant is not present in population databases (gnomAD no frequency). This variant has not been reported in the literature in individuals affected with BARD1-related conditions. ClinVar contains an entry for this variant (Variation ID: 1747069). An algorithm developed to predict the effect of missense changes on protein structure and function (PolyPhen-2) suggests that this variant is likely to be disruptive. In summary, the available evidence is currently insufficient to determine the role of this variant in disease. Therefore, it has been classified as a Variant of Uncertain Significance.

Ambry Genetics
Classification: Uncertain significance for Hereditary cancer-predisposing syndrome. Last evaluated: 2022-01-30. Review status: criteria provided, single submitter. Criteria: Ambry Variant Classification Scheme 2023. Collection method: clinical testing. Allele origin: germline.
Comment: The p.S179P variant (also known as c.535T>C), located in coding exon 4 of the BARD1 gene, results from a T to C substitution at nucleotide position 535. The serine at codon 179 is replaced by proline, an amino acid with similar properties. This amino acid position is conserved. In addition, the in silico prediction for this alteration is inconclusive. Since supporting evidence is limited at this time, the clinical significance of this alteration remains unclear.